The following is an entry in ClinVar:

ClinVar aggregate classification (germline): Uncertain significance (1 of 4 stars; one submission).

Submission:

Labcorp Genetics (formerly Invitae), Labcorp
Classification: Uncertain significance. Last evaluated: 2022-04-05. Review status: criteria provided, single submitter. Criteria: Invitae Variant Classification Sherloc (09022015). Collection method: clinical testing. Allele origin: germline.
Comment: This variant has not been reported in the literature in individuals affected with PDE6C-related conditions. In summary, the available evidence is currently insufficient to determine the role of this variant in disease. Therefore, it has been classified as a Variant of Uncertain Significance. Algorithms developed to predict the effect of missense changes on protein structure and function are either unavailable or do not agree on the potential impact of this missense change (SIFT: "Deleterious"; PolyPhen-2: "Probably Damaging"; Align-GVGD: "Class C0"). This variant is not present in population databases (gnomAD no frequency). This sequence change replaces glutamic acid, which is acidic and polar, with lysine, which is basic and polar, at codon 258 of the PDE6C protein (p.Glu258Lys).

NM_006204.4(PDE6C):c.772G>A (p.Glu258Lys)

Gene: PDE6C (phosphodiesterase 6C; plus strand). Cytogenetic location: 10q23.33.
Variant type: single nucleotide variant.
Coding change: c.772G>A on transcript NM_006204.4 (MANE Select); coding-DNA position 772, G replaced by A.
Protein change: p.Glu258Lys; replaces glutamic acid 258 with lysine.
Molecular consequence: missense variant.
Genome position (GRCh38, 1-based): chr10:93,621,980, G>A. VCF-style: chr10-93621980-G-A. GRCh37 (hg19) VCF-style: chr10-95381737-G-A.
Other names: short protein forms E258K.
Identifiers: ClinVar variation 2045535 (VCV002045535.4), dbSNP rs2492506424, ClinGen allele CA377628363.